The following is an entry in ClinVar:

ClinVar aggregate classification (germline): Pathogenic. Review status: criteria provided, multiple submitters, no conflicts (2 of 4 stars). 2 submissions from 2 submitters: Pathogenic (2). Last evaluated 2024-06-07.

Conditions:
Mucopolysaccharidosis, MPS-II (MPS2). Also called: Mucopolysaccharidosis with skin involvement; Mucopolysaccharidosis type 2; Attenuated MPS (subtype; formerly known as mild MPS II); Severe MPS II; I2S deficiency; MPS 2. Identifiers: Orphanet 580, Orphanet 79388, MedGen C0026705, MONDO:0010674, OMIM 309900.

Submissions (2):

Laboratory of Diagnosis and Therapy of Lysosomal Disorders, University of Padova
Classification: Pathogenic for Mucopolysaccharidosis, MPS-II. Last evaluated: 2024-06-07. Review status: criteria provided, single submitter. Criteria: ACMG Guidelines, 2015. Collection method: literature only. Allele origin: germline. Affected: yes. Observed: 6 variant alleles.
Comment: Null variant (PVS1_VeryStrong), Prevalence of the variant significantly increased in affected individuals compared with controls (PS4_Supporting), Absent from controls (or at low frequency) in gnomAD database (PM2_Moderate), Patient’s phenotype or family history highly specific for the disease (PP4_Strong)

Classification method: ACMG Guidelines [PMID:25741868] with modifications

Labcorp Genetics (formerly Invitae), Labcorp
Classification: Pathogenic for Mucopolysaccharidosis, MPS-II. Last evaluated: 2023-03-02. Review status: criteria provided, single submitter. Criteria: Invitae Variant Classification Sherloc (09022015). Collection method: clinical testing. Allele origin: germline.
Comment: Disruption of this splice site has been observed in individual(s) with mucopolysaccharidosis II (PMID: 17063374, 30639582). Studies have shown that disruption of this splice site is associated with altered splicing resulting in multiple RNA products (PMID: 17063374). For these reasons, this variant has been classified as Pathogenic. This sequence change affects an acceptor splice site in intron 2 of the IDS gene. It is expected to disrupt RNA splicing. Variants that disrupt the donor or acceptor splice site typically lead to a loss of protein function (PMID: 16199547), and loss-of-function variants in IDS are known to be pathogenic (PMID: 8940265, 9875019). This variant is not present in population databases (gnomAD no frequency).

Literature cited by the submitters: PubMed 17063374 (cited by Laboratory of Diagnosis and Therapy of Lysosomal Disorders, University of Padova and Labcorp Genetics (formerly Invitae), Labcorp); PubMed 33960103 (cited by Laboratory of Diagnosis and Therapy of Lysosomal Disorders, University of Padova); PubMed 27246110 (cited by Laboratory of Diagnosis and Therapy of Lysosomal Disorders, University of Padova); PubMed 30639582 (cited by Laboratory of Diagnosis and Therapy of Lysosomal Disorders, University of Padova and Labcorp Genetics (formerly Invitae), Labcorp); PubMed 36945845 (cited by Laboratory of Diagnosis and Therapy of Lysosomal Disorders, University of Padova); PubMed 16199547 (cited by Labcorp Genetics (formerly Invitae), Labcorp); PubMed 8940265 (cited by Labcorp Genetics (formerly Invitae), Labcorp); PubMed 9875019 (cited by Labcorp Genetics (formerly Invitae), Labcorp).

NM_000202.8(IDS):c.241-2A>G

Gene: IDS (iduronate 2-sulfatase; minus strand). Cytogenetic location: Xq28.
Variant type: single nucleotide variant.
Coding change: c.241-2A>G on transcript NM_000202.8 (MANE Select); the canonical splice acceptor site of the intron before coding-DNA position 241, A replaced by G.
Molecular consequence: splice acceptor variant. On other transcripts: intron variant (1).
Genome position (GRCh38, 1-based): chrX:149,503,491, T>C on the plus strand (A>G on the coding strand, the complement: IDS is on the minus strand). VCF-style: chrX-149503491-T-C. GRCh37 (hg19) VCF-style: chrX-148585021-T-C.
Other names: c.15-46A>G (NM_001166550.4); c.241-2A>G (NM_006123.5).
Identifiers: ClinVar variation 2737391 (VCV002737391.5), dbSNP rs2520897254, ClinGen allele CA414527028.